The following is an entry in ClinVar:

NM_000501.4(ELN):c.1979T>C (p.Val660Ala)

Gene: ELN (elastin; plus strand). Cytogenetic location: 7q11.23.
Variant type: single nucleotide variant.
Coding change: c.1979T>C on transcript NM_000501.4 (MANE Select); coding-DNA position 1979, T replaced by C.
Protein change: p.Val660Ala; replaces valine 660 with alanine.
Molecular consequence: missense variant.
Genome position (GRCh38, 1-based): chr7:74,063,681, T>C. VCF-style: chr7-74063681-T-C. GRCh37 (hg19) VCF-style: chr7-73478011-T-C.
Other names: c.1892T>C, p.Val631Ala (NM_001081752.3); c.1937T>C, p.Val646Ala (NM_001081753.3); c.1994T>C, p.Val665Ala (NM_001081754.3); c.1922T>C, p.Val641Ala (NM_001081755.3); c.1979T>C, p.Val660Ala (NM_001278912.2); c.1736T>C, p.Val579Ala (NM_001278913.2); c.1907T>C, p.Val636Ala (NM_001278914.2); c.1997T>C, p.Val666Ala (NM_001278915.2); and 4 more; short protein forms V646A, V650A, V660A, V571A, V641A, V579A, V612A, V631A.
Identifiers: ClinVar variation 4743597 (VCV004743597.1).

ClinVar aggregate classification (germline): Uncertain significance (1 of 4 stars; one submission).

Conditions:
Supravalvar aortic stenosis (SVAS). Also called: Supravalvar aortic stenosis, Eisenberg type. Identifiers: Orphanet 3193, MedGen C0003499, MONDO:0008504, OMIM 185500, HP:0004381.

gnomAD v4.1: 1 of 1,614,012 alleles (0.000062%); highest among the groups gnomAD compares: Non-Finnish European, 0.000085%; no homozygotes.

Submission:

Labcorp Genetics (formerly Invitae), Labcorp
Classification: Uncertain significance for Supravalvar aortic stenosis. Last evaluated: 2025-02-13. Review status: criteria provided, single submitter. Criteria: Invitae Variant Classification Sherloc (09022015). Collection method: clinical testing. Allele origin: germline.
Comment: This sequence change replaces valine, which is neutral and non-polar, with alanine, which is neutral and non-polar, at codon 722 of the ELN protein (p.Val722Ala). This variant is not present in population databases (gnomAD no frequency). This variant has not been reported in the literature in individuals affected with ELN-related conditions. Invitae Evidence Modeling of protein sequence and biophysical properties (such as structural, functional, and spatial information, amino acid conservation, physicochemical variation, residue mobility, and thermodynamic stability) indicates that this missense variant is not expected to disrupt ELN protein function with a negative predictive value of 80%. In summary, the available evidence is currently insufficient to determine the role of this variant in disease. Therefore, it has been classified as a Variant of Uncertain Significance.